The following is an entry in ClinVar:

GRCh37/hg19 3p26.2-26.1(chr3:3718732-5377364)x1

Genes: ARL8B (ARF like GTPase 8B; plus strand), BHLHE40 (basic helix-loop-helix family member e40; plus strand), EDEM1 (ER degradation enhancing alpha-mannosidase like protein 1; plus strand), EGOT (eosinophil granule ontogeny transcript; minus strand), ITPR1 (inositol 1,4,5-trisphosphate receptor type 1; plus strand) and 3 more. Cytogenetic location: 3p26.2-26.1.
Variant type: copy number loss.
Change: copy number 1 (one copy instead of two) of chr3:3,718,732-5,377,364 (1.66 Mb, GRCh37 coordinates, 1-based), cytogenetic band 3p26.2-26.1.
Identifiers: ClinVar variation 1807746 (VCV001807746.1).

ClinVar aggregate classification (germline): Likely pathogenic (1 of 4 stars; one submission).

Submission:

Quest Diagnostics Nichols Institute San Juan Capistrano
Classification: Likely pathogenic. Last evaluated: 2021-08-24. Review status: criteria provided, single submitter. Criteria: ACMG/ClinGen CNV Guidelines, 2019. Collection method: clinical testing. Allele origin: unknown.
Comment: The copy number loss of 3p26.2p26.1 involves multiple protein coding genes including ITPR1 (OMIM 147265), SUMF1 (OMIM 607939), and BHLHE40 (OMIM 604256). Heterozygous pathogenic sequence variants and entire and partial deletions of ITPR1 are associated with autosomal dominant spinocerebellar ataxia 15 (SCA15; OMIM 606658), which is slowly progressive and adult onset. Many of ITPR1 deletions associated with SCA15 are suggested to be loss-of-function variants (Leemput 2007). Heterozygous sequence variants of this gene are also reported in individuals with autosomal dominant conditions of congenital nonprogressive spinocerebellar ataxia 29 (SCA29; OMIM 117360) and Gillespie syndrome (OMIM 206700), which is usually diagnosed in the first year of life by the presence of fixed dilated pupils in a hypotonic infant and can also be caused by biallelic variants of ITPR1. Gerber et al. identified a heterozygous de novo in-frame 3-bp deletion of ITPR1 in a patient with Gillespie syndrome (Gerber 2016). The authors suggest a dominant-negative effect of this in-frame variant. Also, a gain-of-function disease mechanism of a familial missense variant of ITPR1 was reported in a family with SCA29 (Casey 2017). Moreover, a single heterozygous frameshift variant of BHLHE40, arising de novo, was reported in an individual with intellectual disability/developmental delay (Kosmicki 2017). Biallelic pathogenic sequence variants of SUMF1 are also associated with autosomal recessive multiple sulfatase deficiency (OMIM 272200). In addition, smaller deletions of this locus including full/partial ITPR1 with or without SUMF1 are reported in patients with SCA15 (Synofzik 2011; Marelli 2011; Ngo 2020). A 1.4 Mb overlapping deletion (not including ITPR1) was also reported in a patient with intellectual disability (Quintela 2017). There are no similar copy number losses of this region in the general populations of the Database of Genomic Variants. Thus, based on literature review and gene content, this copy number loss is interpreted as likely pathogenic. Reference: Casey et al. J Neurol. 2017 Jul;264(7):1444-1453. PMID: 28620721. Gerber et al., Am J Hum Genet. 2016 May 5;98(5):971-980. PMID: 27108797. Kosmicki et al., Nat Genet. 2017 Apr;49(4):504-510. PMID: 28191890. Leemput et al., PLoS Genet. 2007 Jun;3(6):e108. PMID: 17590087. Marelli et al., Arch Neurol. 2011 May;68(5):637-43. PMID: 21555639. Ngo et al., Hum Mutat. 2020 Feb;41(2):487-501. PMID: 31692161. Quintela et al., Gene. 2017 Aug 30;626:189-199. PMID: 28506748. Synofzik et al., J Med Genet. 2011 Jun;48(6):407-12. PMID: 21367767.